The following is an entry in ClinVar:

NM_000183.3(HADHB):c.989del (p.Gly330fs)

Gene: HADHB (hydroxyacyl-CoA dehydrogenase trifunctional multienzyme complex subunit beta; plus strand). Cytogenetic location: 2p23.3.
Variant type: Deletion.
Coding change: c.989del on transcript NM_000183.3 (MANE Select); coding-DNA position 989, one base deleted (G; older notation c.989delG).
Protein change: p.Gly330fs; shifts the reading frame from glycine 330.
Molecular consequence: frameshift variant.
Genome position (GRCh38, 1-based): chr2:26,282,900, G deleted; the last of 3 consecutive G bases (chr2:26,282,898-26,282,900); deleting any one gives the same sequence. VCF-style (leftmost placement, unchanged base first): chr2-26282897-TG-T. GRCh37 (hg19) VCF-style: chr2-26505765-TG-T.
Other names: c.944del, p.Gly315fs (NM_001281512.2); c.923del, p.Gly308fs (NM_001281513.2); short protein forms G315fs, G330fs, G308fs.
Identifiers: ClinVar variation 1360920 (VCV001360920.6), dbSNP rs2147829909, ClinGen allele CA2573134480.
Genomic context (GRCh38, chr2:26,282,897, plus strand): 5'-CATTTCAGACTGATGGTGCATCTGCAATGTTAATCATGGCGGAGGAAAAGGCTCTGGCCA[TG>T]GGTTATAAGCCGAAGGCATATTTGAGGTAAAGTAAATGTTCAAACAAATCATCTCTGATT-3'

ClinVar aggregate classification (germline): Pathogenic (1 of 4 stars; one submission).

Conditions:
Mitochondrial trifunctional protein deficiency. Identifiers: Orphanet 746, MedGen C1969443, MONDO:0012172.

Submission:

Labcorp Genetics (formerly Invitae), Labcorp
Classification: Pathogenic for Mitochondrial trifunctional protein deficiency. Last evaluated: 2023-08-02. Review status: criteria provided, single submitter. Criteria: Invitae Variant Classification Sherloc (09022015). Collection method: clinical testing. Allele origin: germline.
Comment: For these reasons, this variant has been classified as Pathogenic. ClinVar contains an entry for this variant (Variation ID: 1360920). This variant has not been reported in the literature in individuals affected with HADHB-related conditions. This variant is not present in population databases (gnomAD no frequency). This sequence change creates a premature translational stop signal (p.Gly330Valfs*8) in the HADHB gene. It is expected to result in an absent or disrupted protein product. Loss-of-function variants in HADHB are known to be pathogenic (PMID: 9259266, 12754706).

Literature cited by the submitters: PubMed 9259266; PubMed 12754706.